The following is an entry in ClinVar:

ClinVar aggregate classification (germline): Uncertain significance (1 of 4 stars; one submission).

Conditions:
BAP1-related tumor predisposition syndrome (TPDS1). Also called: Tumor susceptibility linked to germline BAP1 mutations; TUMOR PREDISPOSITION SYNDROME 1; BAP1 tumor predisposition syndrome; COMMON Syndrome. Identifiers: Orphanet 289539, MedGen C3280492, MONDO:0013692, OMIM 614327.

Submission:

Labcorp Genetics (formerly Invitae), Labcorp
Classification: Uncertain significance for BAP1-related tumor predisposition syndrome. Last evaluated: 2024-02-12. Review status: criteria provided, single submitter. Criteria: Invitae Variant Classification Sherloc (09022015). Collection method: clinical testing. Allele origin: germline.
Comment: This sequence change replaces leucine, which is neutral and non-polar, with glutamine, which is neutral and polar, at codon 632 of the BAP1 protein (p.Leu632Gln). This variant is not present in population databases (gnomAD no frequency). This variant has not been reported in the literature in individuals affected with BAP1-related conditions. Advanced modeling of protein sequence and biophysical properties (such as structural, functional, and spatial information, amino acid conservation, physicochemical variation, residue mobility, and thermodynamic stability) performed at Invitae indicates that this missense variant is expected to disrupt BAP1 protein function with a positive predictive value of 80%. Algorithms developed to predict the effect of sequence changes on RNA splicing suggest that this variant may create or strengthen a splice site. In summary, the available evidence is currently insufficient to determine the role of this variant in disease. Therefore, it has been classified as a Variant of Uncertain Significance.

NM_004656.4(BAP1):c.1895T>A (p.Leu632Gln)

Gene: BAP1 (BRCA1 associated deubiquitinase 1; minus strand). Cytogenetic location: 3p21.1.
Variant type: single nucleotide variant.
Coding change: c.1895T>A on transcript NM_004656.4 (MANE Select); coding-DNA position 1895, T replaced by A.
Protein change: p.Leu632Gln; replaces leucine 632 with glutamine.
Molecular consequence: missense variant.
Genome position (GRCh38, 1-based): chr3:52,402,867, A>T on the plus strand (T>A on the coding strand, the complement: BAP1 is on the minus strand). VCF-style: chr3-52402867-A-T. GRCh37 (hg19) VCF-style: chr3-52436883-A-T.
Other names: c.1841T>A, p.Leu614Gln (NM_001410772.1); short protein forms L614Q, L632Q.
Identifiers: ClinVar variation 2762065 (VCV002762065.3), dbSNP rs1705011626, ClinGen allele CA353096970.